The following is an entry in ClinVar:

ClinVar aggregate classification (germline): Uncertain significance (1 of 4 stars; one submission).

Conditions:
Neuronal ceroid lipofuscinosis. Also called: Neuronal Ceroid Lipofuscinoses. Identifiers: Orphanet 216, Orphanet 79263, MedGen C0027877, MONDO:0016295. Disease mechanism: loss of function.

Allele frequency attached by ClinVar (database versions not stated): gnomAD exomes below 0.00001; ExAC 0.00001.
gnomAD v4.1: 1 of 1,613,872 alleles (0.000062%); highest among the groups gnomAD compares: Admixed American, 0.0017%; no homozygotes.

Submission:

Labcorp Genetics (formerly Invitae), Labcorp
Classification: Uncertain significance for Neuronal ceroid lipofuscinosis. Last evaluated: 2022-06-27. Review status: criteria provided, single submitter. Criteria: Invitae Variant Classification Sherloc (09022015). Collection method: clinical testing. Allele origin: germline.
Comment: In summary, the available evidence is currently insufficient to determine the role of this variant in disease. Therefore, it has been classified as a Variant of Uncertain Significance. Algorithms developed to predict the effect of missense changes on protein structure and function (SIFT, PolyPhen-2, Align-GVGD) all suggest that this variant is likely to be tolerated. This variant has not been reported in the literature in individuals affected with DNAJC5-related conditions. This variant is present in population databases (rs773217530, gnomAD 0.003%). This sequence change replaces glutamic acid, which is acidic and polar, with glutamine, which is neutral and polar, at codon 163 of the DNAJC5 protein (p.Glu163Gln).

NM_025219.3(DNAJC5):c.487G>C (p.Glu163Gln)

Gene: DNAJC5 (DnaJ heat shock protein family (Hsp40) member C5; plus strand). Cytogenetic location: 20q13.33.
Variant type: single nucleotide variant.
Coding change: c.487G>C on transcript NM_025219.3 (MANE Select); coding-DNA position 487, G replaced by C.
Protein change: p.Glu163Gln; replaces glutamic acid 163 with glutamine.
Molecular consequence: missense variant.
Genome position (GRCh38, 1-based): chr20:63,931,016, G>C. VCF-style: chr20-63931016-G-C. GRCh37 (hg19) VCF-style: chr20-62562369-G-C.
Other names: short protein forms E163Q.
Identifiers: ClinVar variation 1412846 (VCV001412846.8), dbSNP rs773217530, ClinGen allele CA9969754.